The following is an entry in ClinVar:

NM_017433.5(MYO3A):c.2214T>C (p.Asn738=)

Gene: MYO3A (myosin IIIA; plus strand). Cytogenetic location: 10p12.1.
Variant type: single nucleotide variant.
Coding change: c.2214T>C on transcript NM_017433.5 (MANE Select); coding-DNA position 2214, T replaced by C.
Protein change: p.Asn738=; no amino-acid change (asparagine 738 retained).
Molecular consequence: synonymous variant.
Genome position (GRCh38, 1-based): chr10:26,128,490, T>C. VCF-style: chr10-26128490-T-C. GRCh37 (hg19) VCF-style: chr10-26417419-T-C.
Identifiers: ClinVar variation 287164 (VCV000287164.18), dbSNP rs34803755, ClinGen allele CA5444900.

ClinVar aggregate classification (germline): Benign/Likely benign. Review status: criteria provided, multiple submitters, no conflicts (2 of 4 stars). 6 submissions from 6 submitters: Benign (1); Likely benign (4). 1 of the submissions does not count toward it. Last evaluated 2025-10-13.

Conditions:
MYO3A-related disorder. Also called: MYO3A-related condition.

Allele frequency attached by ClinVar (database versions not stated): gnomAD 0.00084 and 0.00079; ESP Exome Variant Server 0.00092; gnomAD exomes 0.00007 and 0.00020; ExAC 0.00027; 1000 Genomes Project 30x 0.00031; 1000 Genomes Project 0.00040; TOPMed 0.00081.
gnomAD v4.1: 218 of 1,612,856 alleles (0.014%); highest among the groups gnomAD compares: African/African-American, 0.27%; no homozygotes.

Submissions (6):

Labcorp Genetics (formerly Invitae), Labcorp
Classification: Benign. Last evaluated: 2025-10-13. Review status: criteria provided, single submitter. Criteria: Invitae Variant Classification Sherloc (09022015). Collection method: clinical testing. Allele origin: germline.

GeneDx
Classification: Likely benign. Last evaluated: 2020-12-02. Review status: criteria provided, single submitter. Criteria: GeneDx Variant Classification Process June 2021. Collection method: clinical testing. Allele origin: germline. Affected: yes.

Athena Diagnostics
Classification: Likely benign. Last evaluated: 2018-05-25. Review status: criteria provided, single submitter. Criteria: Athena Diagnostics Criteria. Collection method: clinical testing. Allele origin: germline.

Eurofins Ntd Llc (ga)
Classification: Likely benign. Last evaluated: 2016-05-05. Review status: criteria provided, single submitter. Criteria: EGL Classification Definitions 2015. Collection method: clinical testing. Allele origin: germline. Observed: 1 variant allele, 1 heterozygote.

Laboratory for Molecular Medicine, Mass General Brigham Personalized Medicine
Classification: Likely benign. Last evaluated: 2012-05-07. Review status: criteria provided, single submitter. Criteria: LMM Criteria. Collection method: clinical testing. Allele origin: germline. Observed: 2 variant alleles.
Comment: "Asn738Asn in Exon 20 of MYO3A: This variant is not expected to have clinical si gnificance because it does not alter an amino acid residue, is not located withi n the splice consensus sequence, and has been identified in 0.3% (10/3738) of Af rican American chromosomes from a broad population by the NHLBI Exome Sequencing Project (dbSNP rs34803755)."

PreventionGenetics, part of Exact Sciences
Classification: Likely benign for MYO3A-related condition. Last evaluated: 2020-02-05. Review status: no assertion criteria provided. Collection method: clinical testing. Allele origin: germline. Not counted in ClinVar's aggregate classification.
Comment: This variant is classified as likely benign based on ACMG/AMP sequence variant interpretation guidelines (Richards et al. 2015 PMID: 25741868, with internal and published modifications).